The following is an entry in ClinVar:

NM_017739.4(POMGNT1):c.752A>T (p.Glu251Val)

Genes: POMGNT1 (protein O-linked mannose N-acetylglucosaminyltransferase 1 (beta 1,2-); minus strand), TSPAN1 (tetraspanin 1; plus strand). Cytogenetic location: 1p34.1.
Variant type: single nucleotide variant.
Coding change: c.752A>T on transcript NM_017739.4 (MANE Select); coding-DNA position 752, A replaced by T.
Protein change: p.Glu251Val; replaces glutamic acid 251 with valine.
Molecular consequence: missense variant.
Genome position (GRCh38, 1-based): chr1:46,194,401, T>A on the plus strand (A>T on the coding strand, the complement: POMGNT1 is on the minus strand). VCF-style: chr1-46194401-T-A. GRCh37 (hg19) VCF-style: chr1-46660073-T-A.
Other names: c.752A>T, p.Glu251Val (NM_001243766.2, NM_001410783.1); c.686A>T, p.Glu229Val (NM_001290129.3); c.323A>T, p.Glu108Val (NM_001290130.2); short protein forms E108V, E229V, E251V.
Identifiers: ClinVar variation 1432789 (VCV001432789.5), dbSNP rs2148200734, ClinGen allele CA340183570.

ClinVar aggregate classification (germline): Uncertain significance (1 of 4 stars; one submission).

Conditions:
Autosomal recessive limb-girdle muscular dystrophy type 2O. Also called: Limb-Girdle Muscular Dystrophy Type 3C; MUSCULAR DYSTROPHY-DYSTROGLYCANOPATHY (LIMB-GIRDLE), TYPE C, 3; MUSCULAR DYSTROPHY-DYSTROGLYCANOPATHY, LIMB-GIRDLE, POMGNT1-RELATED. Identifiers: Orphanet 206564, MedGen C3150417, MONDO:0013161, OMIM 613157.
Muscular dystrophy-dystroglycanopathy (congenital with impaired intellectual development), type B, 3. Also called: MUSCULAR DYSTROPHY, CONGENITAL, POMGNT1-RELATED; Muscular dystrophy-dystroglycanopathy (congenital with intellectual disability), type B3. Identifiers: MedGen C3150412, MONDO:0013155, OMIM 613151.

Submission:

Labcorp Genetics (formerly Invitae), Labcorp
Classification: Uncertain significance for Autosomal recessive limb-girdle muscular dystrophy type 2O; Muscular dystrophy-dystroglycanopathy (congenital with impaired intellectual development), type B, 3. Last evaluated: 2023-11-27. Review status: criteria provided, single submitter. Criteria: Invitae Variant Classification Sherloc (09022015). Collection method: clinical testing. Allele origin: germline.
Comment: This sequence change replaces glutamic acid, which is acidic and polar, with valine, which is neutral and non-polar, at codon 251 of the POMGNT1 protein (p.Glu251Val). This variant is not present in population databases (gnomAD no frequency). This variant has not been reported in the literature in individuals affected with POMGNT1-related conditions. ClinVar contains an entry for this variant (Variation ID: 1432789). An algorithm developed to predict the effect of missense changes on protein structure and function (PolyPhen-2) suggests that this variant¬¨‚Ä†is likely to be tolerated. In summary, the available evidence is currently insufficient to determine the role of this variant in disease. Therefore, it has been classified as a Variant of Uncertain Significance.